The following is an entry in ClinVar:

ClinVar aggregate classification (germline): Uncertain significance (1 of 4 stars; one submission).

Submission:

Labcorp Genetics (formerly Invitae), Labcorp
Classification: Uncertain significance. Last evaluated: 2022-07-05. Review status: criteria provided, single submitter. Criteria: Invitae Variant Classification Sherloc (09022015). Collection method: clinical testing. Allele origin: germline.
Comment: In summary, the available evidence is currently insufficient to determine the role of this variant in disease. Therefore, it has been classified as a Variant of Uncertain Significance. ClinVar contains an entry for this variant (Variation ID: 1483485). This variant has not been reported in the literature in individuals affected with GUF1-related conditions. This variant is not present in population databases (gnomAD no frequency). This sequence change creates a premature translational stop signal (p.Ala44Glyfs*16) in the GUF1 gene. It is expected to result in an absent or disrupted protein product. However, the current clinical and genetic evidence is not sufficient to establish whether loss-of-function variants in GUF1 cause disease.

NM_021927.3(GUF1):c.130dup (p.Ala44fs)

Genes: GUF1 (GTP binding elongation factor GUF1; plus strand), LOC129992541 (ATAC-STARR-seq lymphoblastoid silent region 15397; plus strand). Cytogenetic location: 4p12.
Variant type: Duplication.
Coding change: c.130dup on transcript NM_021927.3 (MANE Select); coding-DNA position 130, one base duplicated (G; older notation c.130dupG).
Protein change: p.Ala44fs; shifts the reading frame from alanine 44.
Molecular consequence: frameshift variant. On other transcripts: 5 prime UTR variant (2).
Genome position (GRCh38, 1-based): chr4:44,678,752, G duplicated; the last of 3 consecutive G bases (chr4:44,678,750-44,678,752); duplicating any one gives the same sequence. VCF-style (leftmost placement, unchanged base first): chr4-44678749-T-TG. GRCh37 (hg19) VCF-style: chr4-44680766-T-TG.
Other names: c.-839dup (NM_001345867.2); c.130dup, p.Ala44fs (NM_001345868.2); c.-731dup (NM_001345869.2); short protein forms A44fs.
Identifiers: ClinVar variation 1483485 (VCV001483485.6), dbSNP rs2109624451, ClinGen allele CA2573137727.